The following is an entry in ClinVar:

NM_003356.4(UCP3):c.497A>G (p.Tyr166Cys)

Gene: UCP3 (uncoupling protein 3; minus strand). Cytogenetic location: 11q13.4.
Variant type: single nucleotide variant.
Coding change: c.497A>G on transcript NM_003356.4 (MANE Select); coding-DNA position 497, A replaced by G.
Protein change: p.Tyr166Cys; replaces tyrosine 166 with cysteine.
Molecular consequence: missense variant.
Genome position (GRCh38, 1-based): chr11:74,005,774, T>C on the plus strand (A>G on the coding strand, the complement: UCP3 is on the minus strand). VCF-style: chr11-74005774-T-C. GRCh37 (hg19) VCF-style: chr11-73716819-T-C.
Other names: c.497A>G, p.Tyr166Cys (NM_022803.3); short protein forms Y166C.
Identifiers: ClinVar variation 5001739 (VCV005001739.1).

ClinVar aggregate classification (germline): Uncertain significance (1 of 4 stars; one submission).

Conditions:
UCP3-related disorder. Also called: UCP3-related condition.

gnomAD v4.1: 4 of 1,614,206 alleles (0.00025%); highest among the groups gnomAD compares: South Asian, 0.0011%; no homozygotes.

Submission:

PreventionGenetics, part of Exact Sciences
Classification: Uncertain significance for UCP3-related condition. Last evaluated: 2025-04-03. Review status: criteria provided, single submitter. Criteria: ACMG Guidelines, 2015. Collection method: clinical testing. Allele origin: germline.
Comment: The UCP3 c.497A>G variant is predicted to result in the amino acid substitution p.Tyr166Cys. To our knowledge, this variant has not been reported in the literature or in a large population database (gnomAD), indicating this variant is rare. At this time, the clinical significance of this variant is uncertain due to the absence of conclusive functional and genetic evidence.